The following is an entry in ClinVar:

ClinVar aggregate classification (germline): Uncertain significance. Review status: criteria provided, multiple submitters, no conflicts (2 of 4 stars). 3 submissions from 3 submitters: Uncertain significance (3). Last evaluated 2026-06-29.

Conditions:
PKD1-related disorder. Also called: PKD1-related condition.
Inborn genetic diseases. Identifiers: MedGen C0950123, MeSH D030342.

Submissions (3):

PreventionGenetics, part of Exact Sciences
Classification: Uncertain significance for PKD1-related condition. Last evaluated: 2026-06-29. Review status: criteria provided, single submitter. Criteria: ACMG Guidelines, 2015. Collection method: clinical testing. Allele origin: germline.
Comment: The PKD1 c.11880C>A variant is predicted to result in the amino acid substitution p.Asp3960Glu. To our knowledge, this variant has not been reported in the literature. This variant is absent from one large public population database (gnomAD), indicating that this variant is rare. At this time, the clinical significance of this variant is uncertain due to the absence of conclusive functional and genetic evidence.

Ambry Genetics
Classification: Uncertain significance for Inborn genetic diseases. Last evaluated: 2025-05-16. Review status: criteria provided, single submitter. Criteria: Ambry Variant Classification Scheme 2023. Collection method: clinical testing. Allele origin: germline.

Blueprint Genetics
Classification: Uncertain significance. Last evaluated: 2018-10-18. Review status: criteria provided, single submitter. Criteria: ACMG Guidelines, 2015. Collection method: clinical testing. Allele origin: germline.

NM_001009944.3(PKD1):c.11880C>A (p.Asp3960Glu)

Gene: PKD1 (polycystin 1, transient receptor potential channel interacting; minus strand). Cytogenetic location: 16p13.3.
Variant type: single nucleotide variant.
Coding change: c.11880C>A on transcript NM_001009944.3 (MANE Select); coding-DNA position 11880, C replaced by A.
Protein change: p.Asp3960Glu; replaces aspartic acid 3960 with glutamic acid.
Molecular consequence: missense variant.
Genome position (GRCh38, 1-based): chr16:2,091,007, G>T on the plus strand (C>A on the coding strand, the complement: PKD1 is on the minus strand). VCF-style: chr16-2091007-G-T. GRCh37 (hg19) VCF-style: chr16-2141008-G-T.
Other names: c.11877C>A, p.Asp3959Glu (NM_000296.4); c.11877C>A (NM_000296.3); short protein forms D3960E, D3959E.
Identifiers: ClinVar variation 636857 (VCV000636857.4), dbSNP rs754037517, ClinGen allele CA276764969.